The following is an entry in ClinVar:

ClinVar aggregate classification (germline): Uncertain significance. Review status: criteria provided, multiple submitters, no conflicts (2 of 4 stars). 2 submissions from 2 submitters: Uncertain significance (2). Last evaluated 2026-01-25.

Conditions:
Hereditary factor VIII deficiency disease (HEMA). Also called: HEMOPHILIA, CLASSIC; AUTOSOMAL HEMOPHILIA A; Hemophilia A; Hemophilia A, congenital; HEM A; Factor 8 deficiency, congenital. Identifiers: Orphanet 98878, MedGen C0019069, MONDO:0010602, OMIM 306700.

Submissions (2):

3billion
Classification: Uncertain significance for Hereditary factor VIII deficiency disease. Last evaluated: 2026-01-25. Review status: criteria provided, single submitter. Criteria: ACMG Guidelines, 2015. Collection method: clinical testing. Allele origin: germline. Affected: yes.
Comment: The variant is not observed in the gnomAD v4.1.0 dataset. Predicted Consequence/Location: Missense variant In silico tool predictions suggest damaging effect of the variant on gene or gene product [REVEL: 0.66 (>=0.6, sensitivity 0.68 and specificity 0.92); 3Cnet: 0.87 (> 0.75, sensitivity 0.96 and precision 0.92)]. The same nucleotide change resulting in the same amino acid change has been previously reported to be associated with F8-related disorder (ClinVar: VCV003380773, PMID: 29296726). However the evidence of pathogenicity is insufficient at this time. A different missense change at the same codon (p.Leu13Arg) has been reported to be associated with F8-related disorder (PMID: 18217193). However the evidence of pathogenicity is insufficient at this time. Therefore, this variant is classified as VUS according to the recommendation of ACMG/AMP guideline.

Mayo Clinic Laboratories, Mayo Clinic
Classification: Uncertain significance. Last evaluated: 2024-06-11. Review status: criteria provided, single submitter. Criteria: ACMG Guidelines, 2015. Collection method: clinical testing. Allele origin: germline. Observed: 1 variant allele.
Comment: PM2_moderate, PS4_moderate

Literature cited by the submitters: PubMed 29296726 (cited by 3billion and Mayo Clinic Laboratories, Mayo Clinic); PubMed 18217193 (cited by 3billion); PubMed 35770352 (cited by Mayo Clinic Laboratories, Mayo Clinic).

NM_000132.4(F8):c.38T>C (p.Leu13Pro)

Gene: F8 (coagulation factor VIII; minus strand). Cytogenetic location: Xq28.
Variant type: single nucleotide variant.
Coding change: c.38T>C on transcript NM_000132.4 (MANE Select); coding-DNA position 38, T replaced by C.
Protein change: p.Leu13Pro; replaces leucine 13 with proline.
Molecular consequence: missense variant.
Genome position (GRCh38, 1-based): chrX:155,022,515, A>G on the plus strand (T>C on the coding strand, the complement: F8 is on the minus strand). VCF-style: chrX-155022515-A-G. GRCh37 (hg19) VCF-style: chrX-154250790-A-G.
Other names: p.Leu13Pro; short protein forms L13P.
Identifiers: ClinVar variation 3380773 (VCV003380773.2).
Genomic context (GRCh38, chrX:155,022,515, plus strand): 5'-CATGACAGTTCCACTGCACCCAGGTAGTATCTTCTGGTGGCACTAAAGCAGAATCGCAAA[A>G]GGCACAGAAAGAAGCAGGTGGAGAGCTCTATTTGCATGACTTATTGCTACAAATGTTCAA-3'
Protein context (NP_000123.1, residues 3-23): IELSTCFFLC[Leu13Pro]LRFCFSATRR